The following is an entry in ClinVar:

ClinVar aggregate classification (germline): Uncertain significance. Review status: criteria provided, multiple submitters, no conflicts (2 of 4 stars). 2 submissions from 2 submitters: Uncertain significance (2). Last evaluated 2021-04-23.

Conditions:
Long QT syndrome (LQTS). Identifiers: MedGen C0023976, MeSH D008133, MONDO:0002442. Disease mechanism: loss of function. Inheritance: Various modes of inheritance.

Submissions (2):

GeneDx
Classification: Uncertain significance. Last evaluated: 2021-04-23. Review status: criteria provided, single submitter. Criteria: GeneDx Variant Classification Process June 2021. Collection method: clinical testing. Allele origin: germline. Affected: yes.
Comment: Reported in a patient with sudden unexplained death in the published literature (Webster et al., 2019); Not observed in large population cohorts (Lek et al., 2016); In silico analysis, which includes protein predictors and evolutionary conservation, supports a deleterious effect; This variant is associated with the following publications: (PMID: 31395126)

Labcorp Genetics (formerly Invitae), Labcorp
Classification: Uncertain significance for Long QT syndrome. Last evaluated: 2020-11-17. Review status: criteria provided, single submitter. Criteria: Invitae Variant Classification Sherloc (09022015). Collection method: clinical testing. Allele origin: germline.
Comment: This sequence change replaces glutamine with proline at codon 530 of the KCNQ1 protein (p.Gln530Pro). The glutamine residue is highly conserved and there is a moderate physicochemical difference between glutamine and proline. This variant is not present in population databases (ExAC no frequency). This variant has not been reported in the literature in individuals with KCNQ1-related conditions. ClinVar contains an entry for this variant (Variation ID: 392431). Algorithms developed to predict the effect of missense changes on protein structure and function are either unavailable or do not agree on the potential impact of this missense change (SIFT: "Deleterious"; PolyPhen-2: "Probably Damaging"; Align-GVGD: "Class C0"). In summary, the available evidence is currently insufficient to determine the role of this variant in disease. Therefore, it has been classified as a Variant of Uncertain Significance.

NM_000218.3(KCNQ1):c.1589A>C (p.Gln530Pro)

Gene: KCNQ1 (potassium voltage-gated channel subfamily Q member 1; plus strand). Cytogenetic location: 11p15.5.
Variant type: single nucleotide variant.
Coding change: c.1589A>C on transcript NM_000218.3 (MANE Select); coding-DNA position 1589, A replaced by C.
Protein change: p.Gln530Pro; replaces glutamine 530 with proline.
Molecular consequence: missense variant.
Genome position (GRCh38, 1-based): chr11:2,768,918, A>C. VCF-style: chr11-2768918-A-C. GRCh37 (hg19) VCF-style: chr11-2790148-A-C.
Other names: c.1493A>C, p.Gln498Pro (NM_001406836.1); c.1319A>C, p.Gln440Pro (NM_001406837.1); c.1049A>C, p.Gln350Pro (NM_001406838.1); c.1208A>C, p.Gln403Pro (NM_181798.2); short protein forms Q403P, Q530P, Q350P, Q440P, Q498P.
Identifiers: ClinVar variation 392431 (VCV000392431.13), dbSNP rs1057524487, ClinGen allele CA16606229.
Genomic context (GRCh38, chr11:2,768,918, plus strand): 5'-ATCGGGCCACCATTAAGGTCATTCGACGCATGCAGTACTTTGTGGCCAAGAAGAAATTCC[A>C]GGTAAGCCCTGTGCTGAGCCTTCCTGCCCTCAGCCTGCCCCTCGCAGCCTGATGCAGCTG-3'
Protein context (NP_000209.2, residues 520-540): MQYFVAKKKF[Gln530Pro]QARKPYDVRD